The following is an entry in ClinVar:

ClinVar aggregate classification (germline): Uncertain significance (1 of 4 stars; one submission).

Conditions:
Hypertrophic cardiomyopathy. Also called: HYPERTROPHIC MYOCARDIOPATHY. Identifiers: Orphanet 217569, MedGen C0007194, MeSH D002312, MONDO:0005045, HP:0001639.

Submission:

Labcorp Genetics (formerly Invitae), Labcorp
Classification: Uncertain significance for Hypertrophic cardiomyopathy. Last evaluated: 2020-09-11. Review status: criteria provided, single submitter. Criteria: Invitae Variant Classification Sherloc (09022015). Collection method: clinical testing. Allele origin: germline.
Comment: This variant has not been reported in the literature in individuals with JPH2-related conditions. The frequency data for this variant in the population databases is considered unreliable, as metrics indicate insufficient coverage at this position in the ExAC database. This sequence change replaces glycine with cysteine at codon 518 of the JPH2 protein (p.Gly518Cys). The glycine residue is moderately conserved and there is a large physicochemical difference between glycine and cysteine. Algorithms developed to predict the effect of missense changes on protein structure and function (SIFT, PolyPhen-2, Align-GVGD) all suggest that this variant is likely to be tolerated, but these predictions have not been confirmed by published functional studies and their clinical significance is uncertain. In summary, the available evidence is currently insufficient to determine the role of this variant in disease. Therefore, it has been classified as a Variant of Uncertain Significance.

NM_020433.5(JPH2):c.1552G>T (p.Gly518Cys)

Gene: JPH2 (junctophilin 2; minus strand). Cytogenetic location: 20q13.12.
Variant type: single nucleotide variant.
Coding change: c.1552G>T on transcript NM_020433.5 (MANE Select); coding-DNA position 1552, G replaced by T.
Protein change: p.Gly518Cys; replaces glycine 518 with cysteine.
Molecular consequence: missense variant.
Genome position (GRCh38, 1-based): chr20:44,116,123, C>A on the plus strand (G>T on the coding strand, the complement: JPH2 is on the minus strand). VCF-style: chr20-44116123-C-A. GRCh37 (hg19) VCF-style: chr20-42744763-C-A.
Other names: short protein forms G518C.
Identifiers: ClinVar variation 1010823 (VCV001010823.8), dbSNP rs926337524, ClinGen allele CA409100392.